The following is an entry in ClinVar:

ClinVar aggregate classification (germline): Uncertain significance (1 of 4 stars; one submission).

Conditions:
Charcot-Marie-Tooth disease type 2E (CMT2E). Also called: CHARCOT-MARIE-TOOTH DISEASE, AXONAL, TYPE 2E; CHARCOT-MARIE-TOOTH NEUROPATHY, TYPE 2E. Identifiers: Orphanet 99939, MedGen C1843225, MONDO:0011894, OMIM 607684.

Submission:

Labcorp Genetics (formerly Invitae), Labcorp
Classification: Uncertain significance for Charcot-Marie-Tooth disease type 2E. Last evaluated: 2022-07-15. Review status: criteria provided, single submitter. Criteria: Invitae Variant Classification Sherloc (09022015). Collection method: clinical testing. Allele origin: germline.
Comment: This sequence change replaces leucine, which is neutral and non-polar, with proline, which is neutral and non-polar, at codon 376 of the NEFL protein (p.Leu376Pro). This variant is not present in population databases (gnomAD no frequency). This variant has not been reported in the literature in individuals affected with NEFL-related conditions. Experimental studies and prediction algorithms are not available or were not evaluated, and the functional significance of this variant is currently unknown. In summary, the available evidence is currently insufficient to determine the role of this variant in disease. Therefore, it has been classified as a Variant of Uncertain Significance.

NM_006158.5(NEFL):c.1127T>C (p.Leu376Pro)

Genes: NEFL (neurofilament light chain; minus strand), LOC126860330 (BRD4-independent group 4 enhancer GRCh37_chr8:24811677-24812876; plus strand). Cytogenetic location: 8p21.2.
Variant type: single nucleotide variant.
Coding change: c.1127T>C on transcript NM_006158.5 (MANE Select); coding-DNA position 1127, T replaced by C.
Protein change: p.Leu376Pro; replaces leucine 376 with proline.
Molecular consequence: missense variant.
Genome position (GRCh38, 1-based): chr8:24,954,223, A>G on the plus strand (T>C on the coding strand, the complement: NEFL is on the minus strand). VCF-style: chr8-24954223-A-G. GRCh37 (hg19) VCF-style: chr8-24811737-A-G.
Other names: short protein forms L376P.
Identifiers: ClinVar variation 2097210 (VCV002097210.4), dbSNP rs2486883127, ClinGen allele CA370620856.